The following is an entry in ClinVar:

ClinVar aggregate classification (germline): Benign (1 of 4 stars; one submission).

Conditions:
Cone-rod synaptic disorder, congenital nonprogressive. Also called: NIGHT BLINDNESS, CONGENITAL STATIONARY, INCOMPLETE, AUTOSOMAL RECESSIVE. Identifiers: Orphanet 215, MedGen C4041558, MONDO:0012490, OMIM 610427.

Allele frequency attached by ClinVar (database versions not stated): 1000 Genomes Project 0.00459; gnomAD 0.00463 and 0.00503; 1000 Genomes Project 30x 0.00484; TOPMed 0.00530.
gnomAD v4.1: 696 of 152,330 alleles (0.46%); highest among the groups gnomAD compares: African/African-American, 1.6%; 6 homozygotes.

Submission:

Illumina Laboratory Services, Illumina
Classification: Benign for Cone-rod synaptic disorder, congenital nonprogressive. Last evaluated: 2018-01-13. Review status: criteria provided, single submitter. Criteria: ICSL Variant Classification Criteria 13 December 2019. Collection method: clinical testing. Allele origin: germline.
Comment: This variant was observed in the ICSL laboratory as part of a predisposition screen in an ostensibly healthy population. It had not been previously curated by ICSL or reported in the Human Gene Mutation Database (HGMD: prior to June 1st, 2018), and was therefore a candidate for classification through an automated scoring system. Utilizing variant allele frequency, disease prevalence and penetrance estimates, and inheritance mode, an automated score was calculated to assess if this variant is too frequent to cause the disease. Based on the score and internal cut-off values, a variant classified as benign is not then subjected to further curation. The score for this variant resulted in a classification of benign for this disease.

NM_145200.5(CABP4):c.*2679A>G

Gene: CABP4 (calcium binding protein 4; plus strand). Cytogenetic location: 11q13.2.
Variant type: single nucleotide variant.
Coding change: c.*2679A>G on transcript NM_145200.5 (MANE Select); 2679 bases downstream of the stop codon, A replaced by G.
Molecular consequence: 3 prime UTR variant. On other transcripts: non-coding transcript variant (1).
Genome position (GRCh38, 1-based): chr11:67,461,338, A>G. VCF-style: chr11-67461338-A-G. GRCh37 (hg19) VCF-style: chr11-67228809-A-G.
Other names: c.*2679A>G (NM_001300895.3, NM_001300896.3, NM_001379183.1).
Identifiers: ClinVar variation 305716 (VCV000305716.5), dbSNP rs77828276, ClinGen allele CA10635484.